The following is an entry in ClinVar:

ClinVar aggregate classification (germline): Uncertain significance (1 of 4 stars; one submission).

gnomAD v4.1: 5 of 1,611,662 alleles (0.00031%); highest among the groups gnomAD compares: Non-Finnish European, 0.00034%; no homozygotes.

Submission:

Labcorp Genetics (formerly Invitae), Labcorp
Classification: Uncertain significance. Last evaluated: 2025-09-20. Review status: criteria provided, single submitter. Criteria: Invitae Variant Classification Sherloc (09022015). Collection method: clinical testing. Allele origin: germline.
Comment: This sequence change falls in intron 22 of the COL11A1 gene. It does not directly change the encoded amino acid sequence of the COL11A1 protein. It affects a nucleotide within the consensus splice site. This variant is not present in population databases (gnomAD no frequency). This variant has not been reported in the literature in individuals affected with COL11A1-related conditions. ClinVar contains an entry for this variant (Variation ID: 3679383). Variants that disrupt the consensus splice site are a relatively common cause of aberrant splicing (PMID: 17576681, 9536098). Algorithms developed to predict the effect of sequence changes on RNA splicing suggest that this variant is not likely to affect RNA splicing. In summary, the available evidence is currently insufficient to determine the role of this variant in disease. Therefore, it has been classified as a Variant of Uncertain Significance.

Literature cited by the submitters: PubMed 17576681; PubMed 9536098.

NM_001854.4(COL11A1):c.2043+4T>C

Gene: COL11A1 (collagen type XI alpha 1 chain; minus strand). Cytogenetic location: 1p21.1.
Variant type: single nucleotide variant.
Coding change: c.2043+4T>C on transcript NM_001854.4 (MANE Select); 4 bases into the intron after coding-DNA position 2043, T replaced by C.
Molecular consequence: intron variant.
Genome position (GRCh38, 1-based): chr1:103,002,743, A>G on the plus strand (T>C on the coding strand, the complement: COL11A1 is on the minus strand). VCF-style: chr1-103002743-A-G. GRCh37 (hg19) VCF-style: chr1-103468299-A-G.
Other names: c.1926+4T>C (NM_001190709.2); c.2079+4T>C (NM_080629.3); c.1695+4T>C (NM_080630.4).
Identifiers: ClinVar variation 3679383 (VCV003679383.2).